The following is an entry in ClinVar:

ClinVar aggregate classification (germline): Uncertain significance (1 of 4 stars; one submission).

Conditions:
Intellectual developmental disorder, X-linked, syndromic, Claes-Jensen type. Also called: Syndromic X-linked intellectual disability Claes-Jensen type; INTELLECTUAL DEVELOPMENTAL DISORDER, X-LINKED, SYNDROMIC 16; MENTAL RETARDATION, X-LINKED, SYNDROMIC 16. Identifiers: Orphanet 85279, MedGen C1845243, MONDO:0010355, OMIM 300534.

Submission:

ARUP Laboratories, Molecular Genetics and Genomics, ARUP Laboratories
Classification: Uncertain significance for Intellectual developmental disorder, X-linked, syndromic, Claes-Jensen type. Last evaluated: 2023-11-14. Review status: criteria provided, single submitter. Criteria: ARUP Molecular Germline Variant Investigation Process 2024. Collection method: clinical testing. Allele origin: germline.
Comment: Due to limited information, including a lack of clinical and/or functional data and an uninformative population frequency, the clinical significance of this variant is uncertain at this time.

NM_004187.5(KDM5C):c.2517-15T>A

Gene: KDM5C (lysine demethylase 5C; minus strand). Cytogenetic location: Xp11.22.
Variant type: single nucleotide variant.
Coding change: c.2517-15T>A on transcript NM_004187.5 (MANE Select); 15 bases into the intron before coding-DNA position 2517, T replaced by A.
Molecular consequence: intron variant.
Genome position (GRCh38, 1-based): chrX:53,197,891, A>T on the plus strand (T>A on the coding strand, the complement: KDM5C is on the minus strand). VCF-style: chrX-53197891-A-T. GRCh37 (hg19) VCF-style: chrX-53227073-A-T.
Other names: c.2514-15T>A (NM_001353982.2, NM_001353979.2, NM_001282622.3); c.2517-15T>A (NM_001353981.2, NM_001353984.2, NM_001353978.3); c.2316-15T>A (NM_001146702.2).
Identifiers: ClinVar variation 2921159 (VCV002921159.1), dbSNP rs2519407766, ClinGen allele CA2739273499.